The following is an entry in ClinVar:

ClinVar aggregate classification (germline): Uncertain significance (1 of 4 stars; one submission).

Submission:

GeneDx
Classification: Uncertain significance. Last evaluated: 2025-03-25. Review status: criteria provided, single submitter. Criteria: GeneDx Variant Classification Process June 2021. Collection method: clinical testing. Allele origin: germline. Affected: yes.
Comment: Not observed at significant frequency in large population cohorts (gnomAD); In silico analysis supports that this missense variant has a deleterious effect on protein structure/function; Has not been previously published as pathogenic or benign to our knowledge

NM_032217.5(ANKRD17):c.2067T>G (p.Asp689Glu)

Gene: ANKRD17 (ankyrin repeat domain 17; minus strand). Cytogenetic location: 4q13.3.
Variant type: single nucleotide variant.
Coding change: c.2067T>G on transcript NM_032217.5 (MANE Select); coding-DNA position 2067, T replaced by G.
Protein change: p.Asp689Glu; replaces aspartic acid 689 with glutamic acid.
Molecular consequence: missense variant.
Genome position (GRCh38, 1-based): chr4:73,142,658, A>C on the plus strand (T>G on the coding strand, the complement: ANKRD17 is on the minus strand). VCF-style: chr4-73142658-A-C. GRCh37 (hg19) VCF-style: chr4-74008375-A-C.
Other names: c.1728T>G, p.Asp576Glu (NM_001286771.3); c.2067T>G, p.Asp689Glu (NM_015574.2, NM_198889.3); short protein forms D689E, D576E.
Identifiers: ClinVar variation 4087869 (VCV004087869.1).
Genomic context (GRCh38, chr4:73,142,658, plus strand): 5'-AATACTAATTCACAATTCTGCACAAACATTTGAGTTACATACTTTCAAACGGTGAGTAGG[A>C]TCTGCCCCATGAGCCAAAAGTAGTTCCACCACTGCCAGATGACCCCCTGCACAAGCCAGG-3'
Protein context (NP_115593.3, residues 679-699): VVELLLAHGA[Asp689Glu]PTHRLKDGST